The following is an entry in ClinVar:

ClinVar aggregate classification (germline): Conflicting classifications of pathogenicity. Review status: criteria provided, conflicting classifications (1 of 4 stars). 3 submissions from 3 submitters: Uncertain significance (1); Benign (1). 1 of the submissions does not count toward it. Last evaluated 2026-01-03.

Conditions:
NBEAL2-related disorder. Also called: NBEAL2-related condition.

Submissions (3):

Labcorp Genetics (formerly Invitae), Labcorp
Classification: Benign. Last evaluated: 2026-01-03. Review status: criteria provided, single submitter. Criteria: Invitae Variant Classification Sherloc (09022015). Collection method: clinical testing. Allele origin: germline.

CeGaT Center for Human Genetics Tuebingen
Classification: Uncertain significance. Last evaluated: 2019-06-01. Review status: criteria provided, single submitter. Criteria: CeGaT Center For Human Genetics Tuebingen Variant Classification Criteria Version 2. Collection method: clinical testing. Allele origin: germline. Affected: yes. Observed: 3 variant alleles.

PreventionGenetics, part of Exact Sciences
Classification: Likely benign for NBEAL2-related condition. Last evaluated: 2021-09-13. Review status: no assertion criteria provided. Collection method: clinical testing. Allele origin: germline. Not counted in ClinVar's aggregate classification.
Comment: This variant is classified as likely benign based on ACMG/AMP sequence variant interpretation guidelines (Richards et al. 2015 PMID: 25741868, with internal and published modifications).

NM_015175.3(NBEAL2):c.6691+3_6691+6dup

Gene: NBEAL2 (neurobeachin like 2; plus strand). Cytogenetic location: 3p21.31.
Variant type: Duplication.
Coding change: c.6691+3_6691+6dup on transcript NM_015175.3 (MANE Select); bases 3 to 6 of the intron after coding-DNA position 6691, 4 bases duplicated (AGGT; older notation c.6691+3_6691+6dupAGGT).
Molecular consequence: splice donor variant.
Genome position (GRCh38, 1-based): chr3:47,005,622-47,005,625, AGGT duplicated; duplicating any 4 consecutive bases within chr3:47,005,619-47,005,625 gives the same sequence; the c. name uses the placement nearest the transcript's 3' end. VCF-style (leftmost placement, unchanged base first): chr3-47005618-C-CGGTA. GRCh37 (hg19) VCF-style: chr3-47047108-C-CGGTA.
Other names: c.6589+3_6589+6dup (NM_001365116.2).
Identifiers: ClinVar variation 728160 (VCV000728160.47), dbSNP rs557640338, ClinGen allele CA2361915.